The following is an entry in ClinVar:

ClinVar aggregate classification (germline): Likely benign. Review status: no assertion criteria provided (0 of 4 stars). 3 submissions from 3 submitters: Likely benign (3). Last evaluated 2021-06-06.

Conditions:
SAGE1-related disorder. Also called: SAGE1-related condition.

Allele frequency attached by ClinVar (database versions not stated): gnomAD exomes 0.00018 and 0.00033; ESP Exome Variant Server 0.00020; ExAC 0.00024; gnomAD 0.00026 and 0.00029; TOPMed 0.00028.

Submissions (3):

PreventionGenetics, part of Exact Sciences
Classification: Likely benign for SAGE1-related condition. Last evaluated: 2021-06-06. Review status: no assertion criteria provided. Collection method: clinical testing. Allele origin: germline.
Comment: This variant is classified as likely benign based on ACMG/AMP sequence variant interpretation guidelines (Richards et al. 2015 PMID: 25741868, with internal and published modifications).

Clinical Genetics DNA and cytogenetics Diagnostics Lab, Erasmus MC, Erasmus Medical Center
Classification: Likely benign. Review status: no assertion criteria provided. Collection method: clinical testing. Allele origin: germline. Affected: yes. Study: VKGL Data-share Consensus.

Laboratory of Diagnostic Genome Analysis, Leiden University Medical Center (LUMC)
Classification: Likely benign. Review status: no assertion criteria provided. Collection method: clinical testing. Allele origin: germline. Affected: yes. Study: VKGL Data-share Consensus.

NM_001381902.1(SAGE1):c.470dup (p.His157fs)

Genes: SAGE1 (sarcoma antigen 1; plus strand), LOC126863325 (CDK7 strongly-dependent group 2 enhancer GRCh37_chrX:134987035-134988234; plus strand). Cytogenetic location: Xq26.3.
Variant type: Duplication.
Coding change: c.470dup on transcript NM_001381902.1 (MANE Select); coding-DNA position 470, one base duplicated (A; older notation c.470dupA).
Protein change: p.His157fs; shifts the reading frame from histidine 157.
Molecular consequence: frameshift variant.
Genome position (GRCh38, 1-based): chrX:135,906,039, A duplicated. VCF-style (leftmost placement, unchanged base first): chrX-135906038-C-CA. GRCh37 (hg19) VCF-style: chrX-134988197-C-CA.
Other names: c.470dup, p.His157fs (NM_018666.3); c.470dupA (NM_018666.2); short protein forms H157fs.
Identifiers: ClinVar variation 1206116 (VCV001206116.4), dbSNP rs781940522, ClinGen allele CA10523916.